The following is an entry in ClinVar:

ClinVar aggregate classification (germline): Conflicting classifications of pathogenicity. Review status: criteria provided, conflicting classifications (1 of 4 stars). 4 submissions from 4 submitters: Uncertain significance (2); Likely benign (2). Last evaluated 2026-02-02.

Conditions:
Cardiomyopathy (CMYO). Also called: Cardiomyopathies. Identifiers: Orphanet 167848, MedGen C0878544, MONDO:0004994, HP:0001638. Inheritance: Various modes of inheritance.
Arrhythmogenic right ventricular dysplasia 11. Also called: Arrhythmogenic right ventricular dysplasia 11 with mild palmoplantar keratoderma and woolly hair; Arrhythmogenic Right Ventricular Dysplasia/Cardiomyopathy11; ARRHYTHMOGENIC RIGHT VENTRICULAR DYSPLASIA, FAMILIAL, 11. Identifiers: MedGen C1864850, MONDO:0012506, OMIM 610476.
Cardiovascular phenotype. Identifiers: MedGen CN230736.

Allele frequency attached by ClinVar (database versions not stated): TOPMed 0.00006.
gnomAD v4.1: 52 of 1,613,928 alleles (0.0032%); highest among the groups gnomAD compares: Non-Finnish European, 0.00051%; no homozygotes.

Submissions (4):

Women's Health and Genetics/Laboratory Corporation of America, LabCorp
Classification: Uncertain significance. Last evaluated: 2026-02-02. Review status: criteria provided, single submitter. Criteria: LabCorp Variant Classification Summary - May 2015. Collection method: clinical testing. Allele origin: germline.

Labcorp Genetics (formerly Invitae), Labcorp
Classification: Likely benign for Arrhythmogenic right ventricular dysplasia 11. Last evaluated: 2025-12-13. Review status: criteria provided, single submitter. Criteria: Invitae Variant Classification Sherloc (09022015). Collection method: clinical testing. Allele origin: germline.

Color Diagnostics, LLC DBA Color Health
Classification: Likely benign for Cardiomyopathy. Last evaluated: 2024-02-05. Review status: criteria provided, single submitter. Criteria: ACMG Guidelines, 2015. Collection method: clinical testing. Allele origin: germline.

Ambry Genetics
Classification: Uncertain significance for Cardiovascular phenotype. Last evaluated: 2021-06-18. Review status: criteria provided, single submitter. Criteria: Ambry Variant Classification Scheme 2023. Collection method: clinical testing. Allele origin: germline.
Comment: The p.I584V variant (also known as c.1750A>G), located in coding exon 12 of the DSC2 gene, results from an A to G substitution at nucleotide position 1750. The isoleucine at codon 584 is replaced by valine, an amino acid with highly similar properties. This amino acid position is well conserved in available vertebrate species. In addition, this alteration is predicted to be tolerated by in silico analysis. Since supporting evidence is limited at this time, the clinical significance of this alteration remains unclear.

NM_024422.6(DSC2):c.1750A>G (p.Ile584Val)

Gene: DSC2 (desmocollin 2; minus strand). Cytogenetic location: 18q12.1.
Variant type: single nucleotide variant.
Coding change: c.1750A>G on transcript NM_024422.6 (MANE Select); coding-DNA position 1750, A replaced by G.
Protein change: p.Ile584Val; replaces isoleucine 584 with valine.
Molecular consequence: missense variant.
Genome position (GRCh38, 1-based): chr18:31,074,821, T>C on the plus strand (A>G on the coding strand, the complement: DSC2 is on the minus strand). VCF-style: chr18-31074821-T-C. GRCh37 (hg19) VCF-style: chr18-28654787-T-C.
Other names: c.1750A>G, p.Ile584Val (NM_004949.5); short protein forms I584V.
Identifiers: ClinVar variation 629496 (VCV000629496.19), dbSNP rs755041461, ClinGen allele CA033067.